The following is an entry in ClinVar:

ClinVar aggregate classification (germline): Uncertain significance. Review status: criteria provided, multiple submitters, no conflicts (2 of 4 stars). 3 submissions from 3 submitters: Uncertain significance (3). Last evaluated 2025-11-24.

Conditions:
Inborn genetic diseases. Identifiers: MedGen C0950123, MeSH D030342.
Multiple congenital anomalies-hypotonia-seizures syndrome 1 (MCAHS1). Also called: PIGN-CDG; Congenital disorder of glycosylation due to PIGN deficiency; GLYCOSYLPHOSPHATIDYLINOSITOL BIOSYNTHESIS DEFECT 3. Identifiers: Orphanet 280633, MedGen C3279775, MONDO:0013563, OMIM 614080.

Allele frequency attached by ClinVar (database versions not stated): ExAC 0.00003; gnomAD exomes 0.00005 and 0.00007; TOPMed 0.00004; ESP Exome Variant Server 0.00008; gnomAD 0.00002.
gnomAD v4.1: 109 of 1,613,678 alleles (0.0068%); highest among the groups gnomAD compares: Non-Finnish European, 0.0086%; no homozygotes.

Submissions (3):

Ambry Genetics
Classification: Uncertain significance for Inborn genetic diseases. Last evaluated: 2025-11-24. Review status: criteria provided, single submitter. Criteria: Ambry Variant Classification Scheme 2023. Collection method: clinical testing. Allele origin: germline.

Mayo Clinic Laboratories, Mayo Clinic
Classification: Uncertain significance. Last evaluated: 2023-06-01. Review status: criteria provided, single submitter. Criteria: ACMG Guidelines, 2015. Collection method: clinical testing. Allele origin: germline. Observed: 1 variant allele.
Comment: BP4

Labcorp Genetics (formerly Invitae), Labcorp
Classification: Uncertain significance for Multiple congenital anomalies-hypotonia-seizures syndrome 1. Last evaluated: 2022-06-04. Review status: criteria provided, single submitter. Criteria: Invitae Variant Classification Sherloc (09022015). Collection method: clinical testing. Allele origin: germline.
Comment: This sequence change replaces cysteine, which is neutral and slightly polar, with serine, which is neutral and polar, at codon 923 of the PIGN protein (p.Cys923Ser). This variant is present in population databases (rs369297861, gnomAD 0.008%). This variant has not been reported in the literature in individuals affected with PIGN-related conditions. ClinVar contains an entry for this variant (Variation ID: 859862). Algorithms developed to predict the effect of missense changes on protein structure and function (SIFT, PolyPhen-2, Align-GVGD) all suggest that this variant is likely to be tolerated. In summary, the available evidence is currently insufficient to determine the role of this variant in disease. Therefore, it has been classified as a Variant of Uncertain Significance.

NM_176787.5(PIGN):c.2768G>C (p.Cys923Ser)

Gene: PIGN (phosphatidylinositol glycan anchor biosynthesis class N; minus strand). Cytogenetic location: 18q21.33.
Variant type: single nucleotide variant.
Coding change: c.2768G>C on transcript NM_176787.5 (MANE Select); coding-DNA position 2768, G replaced by C.
Protein change: p.Cys923Ser; replaces cysteine 923 with serine.
Molecular consequence: missense variant.
Genome position (GRCh38, 1-based): chr18:62,045,884, C>G on the plus strand (G>C on the coding strand, the complement: PIGN is on the minus strand). VCF-style: chr18-62045884-C-G. GRCh37 (hg19) VCF-style: chr18-59713117-C-G.
Other names: p.Cys923Ser; c.2768G>C, p.Cys923Ser (NM_012327.6); short protein forms C923S.
Identifiers: ClinVar variation 859862 (VCV000859862.8), dbSNP rs369297861, ClinGen allele CA8981867.